The following is an entry in ClinVar:

NM_173472.2(FANCD2OS):c.*44-7425C>A

Genes: FANCD2 (FA complementation group D2; plus strand), FANCD2OS (FANCD2 opposite strand; minus strand). Cytogenetic location: 3p25.3.
Variant type: single nucleotide variant.
Coding change: c.*44-7425C>A on transcript NM_173472.2; 7425 bases into the intron before 44 bases downstream of the stop codon, C replaced by A.
Molecular consequence: intron variant.
Genome position (GRCh38, 1-based): chr3:10,088,956, G>T on the plus strand (C>A on the coding strand, the complement: FANCD2OS is on the minus strand). VCF-style: chr3-10088956-G-T. GRCh37 (hg19) VCF-style: chr3-10130640-G-T.
Other names: c.3683+6G>T (NM_001319984.2, NM_001018115.3, NM_033084.6 and 1 more transcripts); c.3572+6G>T (NM_001374253.1).
Identifiers: ClinVar variation 3053522 (VCV003053522.2), dbSNP rs1274827880, ClinGen allele CA540880966.
Genomic context (GRCh38, chr3:10,088,956, plus strand): 5'-AACTGATCAACTCTCCTAAAGATGCATCTTCCTCCACATTCCCTACACTGACCAGGTAAG[G>T]GAGTTCTTTCCTCCAGTTTTTCCCTTAAGATAGAATCATCATCAGGCTGGGCACGGTGGC-3'

ClinVar aggregate classification (germline): Likely benign (0 of 4 stars; one submission).

Conditions:
FANCD2OS-related disorder. Also called: FANCD2OS-related condition.

Allele frequency attached by ClinVar (database versions not stated): gnomAD exomes 0.00003; TOPMed 0.00001; gnomAD 0.00001.
gnomAD v4.1: 51 of 1,613,820 alleles (0.0032%); highest among the groups gnomAD compares: Non-Finnish European, 0.0042%; no homozygotes.

Submission:

PreventionGenetics, part of Exact Sciences
Classification: Likely benign for FANCD2OS-related condition. Last evaluated: 2019-08-28. Review status: no assertion criteria provided. Collection method: clinical testing. Allele origin: germline.
Comment: This variant is classified as likely benign based on ACMG/AMP sequence variant interpretation guidelines (Richards et al. 2015 PMID: 25741868, with internal and published modifications).